The following is an entry in ClinVar:

NM_004608.4(TBX6):c.576C>G (p.Phe192Leu)

Gene: TBX6 (T-box transcription factor 6; minus strand). Cytogenetic location: 16p11.2.
Variant type: single nucleotide variant.
Coding change: c.576C>G on transcript NM_004608.4 (MANE Select); coding-DNA position 576, C replaced by G.
Protein change: p.Phe192Leu; replaces phenylalanine 192 with leucine.
Molecular consequence: missense variant.
Genome position (GRCh38, 1-based): chr16:30,088,988, G>C on the plus strand (C>G on the coding strand, the complement: TBX6 is on the minus strand). VCF-style: chr16-30088988-G-C. GRCh37 (hg19) VCF-style: chr16-30100309-G-C.
Other names: short protein forms F192L.
Identifiers: ClinVar variation 4527642 (VCV004527642.1).

ClinVar aggregate classification (germline): Uncertain significance (1 of 4 stars; one submission).

Submission:

GeneDx
Classification: Uncertain significance. Last evaluated: 2025-04-27. Review status: criteria provided, single submitter. Criteria: GeneDx Variant Classification Process June 2021. Collection method: clinical testing. Allele origin: germline. Affected: yes.
Comment: Not observed at significant frequency in large population cohorts (gnomAD); In silico analysis supports that this missense variant has a deleterious effect on protein structure/function; Has not been previously published as pathogenic or benign to our knowledge